The following is an entry in ClinVar:

ClinVar aggregate classification (germline): Uncertain significance (1 of 4 stars; one submission).

Conditions:
Inborn genetic diseases. Identifiers: MedGen C0950123, MeSH D030342.

Allele frequency attached by ClinVar (database versions not stated): gnomAD exomes below 0.00001; TOPMed 0.00002.
gnomAD v4.1: 1 of 1,614,170 alleles (0.000062%); highest among the groups gnomAD compares: Non-Finnish European, 0.000085%; no homozygotes.

Submission:

Ambry Genetics
Classification: Uncertain significance for Inborn genetic diseases. Last evaluated: 2021-08-13. Review status: criteria provided, single submitter. Criteria: Ambry Variant Classification Scheme 2023. Collection method: clinical testing. Allele origin: germline.
Comment: The c.739A>C (p.S247R) alteration is located in exon 6 (coding exon 5) of the PUM1 gene. This alteration results from an A to C substitution at nucleotide position 739, causing the serine (S) at amino acid position 247 to be replaced by an arginine (R). This allele was reported in one heterozygous individual in population-based cohorts in the Genome Aggregation Database (gnomAD). This amino acid position is not well conserved in available vertebrate species. This alteration is predicted to be tolerated by in silico analysis. Based on insufficient or conflicting evidence, the clinical significance of this alteration remains unclear.

NM_001020658.2(PUM1):c.739A>C (p.Ser247Arg)

Gene: PUM1 (pumilio RNA binding family member 1; minus strand). Cytogenetic location: 1p35.2.
Variant type: single nucleotide variant.
Coding change: c.739A>C on transcript NM_001020658.2 (MANE Select); coding-DNA position 739, A replaced by C.
Protein change: p.Ser247Arg; replaces serine 247 with arginine.
Molecular consequence: missense variant.
Genome position (GRCh38, 1-based): chr1:30,995,202, T>G on the plus strand (A>C on the coding strand, the complement: PUM1 is on the minus strand). VCF-style: chr1-30995202-T-G. GRCh37 (hg19) VCF-style: chr1-31468049-T-G.
Other names: c.739A>C, p.Ser247Arg (NM_014676.3); short protein forms S247R.
Identifiers: ClinVar variation 2233933 (VCV002233933.2), dbSNP rs1293403314, ClinGen allele CA339570368.